The following continues an entry in ClinVar:

NM_020975.6(RET):c.1998G>T (p.Lys666Asn)

Gene: RET. ClinVar aggregate classification (germline): Pathogenic/Likely pathogenic. Pathogenic (15); Likely pathogenic (8).

Submissions 5 to 11 of 23:

ARUP Laboratories, Molecular Genetics and Genomics, ARUP Laboratories
Classification: Likely pathogenic. Last evaluated: 2025-03-13. Review status: criteria provided, single submitter. Criteria: ARUP Molecular Germline Variant Investigation Process 2024. Collection method: clinical testing. Allele origin: germline.
Comment: The RET c.1998G>T; p.Lys666Asn variant (rs146646971), is reported in the literature in individuals and families affected with medullary thyroid carcinoma and pheochromocytoma as a low penetetrance variant (Jaber 2018, La Greca 2024, Lebeault 2017, Muzza 2010, Savatt 2022, Xu 2016, Yehia 2018). This variant is reported in ClinVar (Variation ID: 24932) and is found in the non-Finnish European population with an allele frequency of 0.0054% (7/129,112 alleles) in the Genome Aggregation Database (v2.1.1). Additionally, other amino acid substitutions at this codon (Glu, Arg, Met), as well as another variant at the same nucleotide (c.1998G>C; p.Lys666Asn), have been reported in individuals with RET-related disorders and are considered pathogenic or likely pathogenic (Ahmed 2005, Borrello 2011, Curras-Freixes 2015, Lebeault 2017, Mastroianno 2011, Wells 2015, Yamazaki 2014). Computational analyses are uncertain whether the p.Lys666Asn variant is neutral or deleterious (REVEL: 0.571). However, functional analyses of the p.Lys666Asn variant protein show increased kinase and transforming activity (Muzza 2010). Based on available information, the c.1998G>T; p.Lys666Asn variant is considered to be likely pathogenic with reduced penetrance. References: Ahmed SA et al. Nine novel germline gene variants in the RET proto-oncogene identified in twelve unrelated cases. J Mol Diagn. 2005; 7(2):283-8. PMID: 15858153. Borrello MG et al. Functional characterization of the MTC-associated germline RET-K666E mutation: evidence of oncogenic potential enhanced by the G691S polymorphism. Endocr Relat Cancer. 2011; 18(4):519-27. PMID: 21690267. Curras-Freixes M et al. Recommendations for somatic and germline genetic testing of single pheochromocytoma and paraganglioma based on findings from a series of 329 patients. J Med Genet. 2015 Oct;52(10):647-56. PMID: 26269449. eMERGE Consortium. Harmonizing Clinical Sequencing and Interpretation for the eMERGE III Network. Am J Hum Genet. 2019 Sep 5;105(3):588-605. PMID: 31447099. Jaber T et al. A Homozygous RET K666N Genotype With an MEN2A Phenotype. J Clin Endocrinol Metab. 2018 Apr 1;103(4):1269-1272. PMID: 29408964. La Greca A et al. MEN2 phenotype in a family with germline heterozygous rare RET K666N variant. Endocrinol Diabetes Metab Case Rep. 2024 Sep 4;2024(3):24-0009. PMID: 39231479. Lebeault M et al. Nationwide French Study of RET Variants Detected from 2003 to 2013 Suggests a Possible Influence of Polymorphisms as Modifiers. Thyroid. 2017 Dec;27(12):1511-1522. PMID: 28946813. Mastroianno S et al. Coexistence of multiple endocrine neoplasia type 1 and type 2 in a large Italian family. Endocrine. 2011; 40(3):481-5. PMID: 21678021. Muzza M et al. Four novel RET germline variants in exons 8 and 11 display an oncogenic potential in vitro. Eur J Endocrinol. 2010; 162(4):771-7. PMID: 20103606. Savatt JM et al. Observational study of population genomic screening for variants associated with endocrine tumor syndromes in a large, healthcare-based cohort. BMC Med. 2022 Jun 7;20(1):205. PMID: 35668420. Wells SA Jr et al. Revised American Thyroid Association guidelines for the management of medullary thyroid carcinoma. Thyroid. 2015; 25(6):567-610. PMID: 25810047. Xu JY et al. Medullary Thyroid Carcinoma Associated with Germline RETK666N Mutation. Thyroid. 2016; 26(12):1744-1751. PMID: 27673361.

Ambry Genetics
Classification: Pathogenic for Hereditary cancer-predisposing syndrome. Last evaluated: 2025-03-03. Review status: criteria provided, single submitter. Criteria: Ambry Variant Classification Scheme 2023. Collection method: clinical testing. Allele origin: germline.
Comment: The c.1998G>T (p.K666N) alteration is located in exon 11 (coding exon 11) of the RET gene. This alteration results from a G to T substitution at nucleotide position 1998, causing the lysine (K) at amino acid position 666 to be replaced by an asparagine (N). Alternate variant conclusion statement: Based on the supporting evidence, this alteration is classified as a pathogenic mutation with moderate risk for MEN2; however, the association of this alteration with Hirschsprung disease is unknown. Based on data from gnomAD, this allele has an overall frequency of 0.003% (7/282120) total alleles studied. The highest observed frequency was 0.005% (7/129112) of European (non-Finnish) alleles. This specific alteration was identified in 8 unrelated index cases with medullary thyroid carcinoma (MTC) (Xu, 2016). Analysis of the families from these 8 cases showed several additional family members, who were carriers of the variant, also had either MTC or C-cell hyperplasia. Xu et al. conclude that this alteration is a low penetrance MTC allele, with no evidence for association with other MEN2A pathogenic features of pheochromocytoma and parathyroid abnormalities. Other variants at the same codon, p.K666E, p.K666R, and p.K666M, have been identified in individuals with features consistent with Multiple endocrine neoplasia type 2 (Borrello, 2011; Yamazaki, 2014). Of note, The American Thyroid Association has designated p.K666E as a mutation with moderate risk for MTC,10% incidence of pheochromocytomas and no incidence of hyperparathyroidism (Wells, 2015). As observed in the literature and Ambry internal data, p.K666N, is also primarily associated with MTC and not other features of MEN2A. This amino acid position is highly conserved in available vertebrate species. Analysis has demonstrated increased oncogenic potential as compared to wild type, as well as significant structural impact that was predicted to alter the transmembrane &alpha;-helix, likely changing the secondary structure of the protein (Muzza, 2010). The in silico prediction for this alteration is inconclusive. Based on the available evidence, this alteration is classified as pathogenic.

Mayo Clinic Laboratories, Mayo Clinic
Classification: Pathogenic. Last evaluated: 2024-12-17. Review status: criteria provided, single submitter. Criteria: ACMG Guidelines, 2015. Collection method: clinical testing. Allele origin: germline. Observed: 4 variant alleles.
Comment: PP1_strong, PP5, PM1, PM2_moderate, PS3_supporting, PS4_moderate

All of Us Research Program, National Institutes of Health
Classification: Likely pathogenic for Multiple endocrine neoplasia, type 2. Last evaluated: 2024-09-27. Review status: criteria provided, single submitter. Criteria: ACMG Guidelines, 2015. Collection method: clinical testing. Allele origin: germline. Inheritance: Autosomal dominant inheritance. Observed: 9 variant alleles, 9 heterozygotes.
Comment: This missense variant replaces lysine with asparagine at codon 666 of the RET protein. Computational predictions are inconclusive regarding the impact of this variant on protein structure and function and pre-mRNA splicing. A functional study has reported that this variant protein resulted in elevated kinase and cell transformation activities that were intermediate between the wild-type protein and the pathogenic control p.Cys634Arg (PMID: 20103606). The protein variant p.Lys666Asn, caused by c.1998G>C or c.1998G>T, has been reported in at least 13 unrelated individuals affected with medullary thyroid cancer (PMID: 20103606, 22865907, 27673361, 28946813, 29408964) and two individuals each affected with pheochromocytoma or C-cell hyperplasia (PMID: 26269449, 27673361, 29408964). This variant also has been reported in a homozygous carrier affected with medullary thyroid cancer and bilateral pheochromocytoma (PMID: 29408964) and an individual affected with clinical features of Cowden syndrome, including thyroid cancer, and also pheochromocytoma (PMID: 29684080). This variant also has been described as incompletely penetrant, having been observed in over a dozen unaffected heterozygous carriers (PMID: 27673361, 29408964). Two different protein variants at codon 666, p.Lys666Glu and p.Lys666delinsAsnSer, have been reported in individuals affected with medullary thyroid cancer and are suspected to have more severe disease characteristics due a co-occurring polymorphism p.Gly691Ser (PMID: 15844786, 21690267), raising the possibility that substitutions at this codon may have variable penetrance or expressivity due to effects of genetic modifier. This variant has been identified in 5/267610 total alleles in the general population by the Genome Aggregation Database (gnomAD). Based on the available evidence, this variant is classified as Likely Pathogenic.

This study involves interpretation of variants in research participants for the purpose of population health screening. Participant phenotype was not available at the time of variant classification. Additional details can be found in publication PMID: 35346344, PMCID: PMC8962531

Fulgent Genetics
Classification: Pathogenic for Hirschsprung disease, susceptibility to, 1; Familial medullary thyroid carcinoma; Multiple endocrine neoplasia type 2B; Pheochromocytoma; Multiple endocrine neoplasia type 2A. Last evaluated: 2024-04-16. Review status: criteria provided, single submitter. Criteria: ACMG Guidelines, 2015. Collection method: clinical testing. Allele origin: germline.

Myriad Genetics, Inc.
Classification: Likely pathogenic for Multiple endocrine neoplasia type 2A. Last evaluated: 2024-01-05. Review status: criteria provided, single submitter. Criteria: Myriad Autosomal Dominant, Autosomal Recessive and X-Linked Classification Criteria (2023). Collection method: clinical testing. Allele origin: unknown.
Comment: This variant is considered likely pathogenic. Functional studies indicate this variant impacts protein function [PMID: 20103606]. This variant has been reported in multiple individuals with clinical features of gene-specific disease [PMID: 27673361, 29408964, 20103606].

GeneDx
Classification: Pathogenic. Last evaluated: 2023-08-18. Review status: criteria provided, single submitter. Criteria: GeneDx Variant Classification Process June 2021. Collection method: clinical testing. Allele origin: germline. Affected: yes.
Comment: Published functional studies demonstrate increased tyrosine phosphorylation activity, kinase activity, and transforming potential compared to wild-type (Muzza et al., 2010); In silico analysis supports that this missense variant has a deleterious effect on protein structure/function; This variant is associated with the following publications: (PMID: 18631007, 21690267, 17934909, 21479187, 25637381, 26687385, 25319874, 21678021, 16954442, 17639053, 20103606, 29408964, 31447099, 28946813, 22865907, 29625052, 29684080, 27673361, 14633923, 34885201, 36451132, 30927507, 35668420)